The following is an entry in ClinVar:

NM_004519.4(KCNQ3):c.1601T>G (p.Phe534Cys)

Gene: KCNQ3 (potassium voltage-gated channel subfamily Q member 3; minus strand). Cytogenetic location: 8q24.22.
Variant type: single nucleotide variant.
Coding change: c.1601T>G on transcript NM_004519.4 (MANE Select); coding-DNA position 1601, T replaced by G.
Protein change: p.Phe534Cys; replaces phenylalanine 534 with cysteine.
Molecular consequence: missense variant.
Genome position (GRCh38, 1-based): chr8:132,137,984, A>C on the plus strand (T>G on the coding strand, the complement: KCNQ3 is on the minus strand). VCF-style: chr8-132137984-A-C. GRCh37 (hg19) VCF-style: chr8-133150231-A-C.
Other names: c.1241T>G, p.Phe414Cys (NM_001204824.2); short protein forms F414C, F534C.
Identifiers: ClinVar variation 2751559 (VCV002751559.3), dbSNP rs2536875412, ClinGen allele CA372219243.

ClinVar aggregate classification (germline): Uncertain significance (1 of 4 stars; one submission).

Conditions:
Benign neonatal seizures. Also called: Benign familial neonatal epilepsy; Benign familial neonatal seizures; Convulsions benign familial neonatal dominant form; Autosomal dominant form of benign neonatal seizures; Benign neonatal familial convulsions. Identifiers: Orphanet 1949, MedGen C0220669, MONDO:0016027.

Submission:

Labcorp Genetics (formerly Invitae), Labcorp
Classification: Uncertain significance for Benign neonatal seizures. Last evaluated: 2023-10-05. Review status: criteria provided, single submitter. Criteria: Invitae Variant Classification Sherloc (09022015). Collection method: clinical testing. Allele origin: germline.
Comment: This sequence change replaces phenylalanine, which is neutral and non-polar, with cysteine, which is neutral and slightly polar, at codon 534 of the KCNQ3 protein (p.Phe534Cys). This variant is not present in population databases (gnomAD no frequency). This variant has not been reported in the literature in individuals affected with KCNQ3-related conditions. Advanced modeling of protein sequence and biophysical properties (such as structural, functional, and spatial information, amino acid conservation, physicochemical variation, residue mobility, and thermodynamic stability) performed at Invitae indicates that this missense variant is expected to disrupt KCNQ3 protein function. In summary, the available evidence is currently insufficient to determine the role of this variant in disease. Therefore, it has been classified as a Variant of Uncertain Significance.